The following is an entry in ClinVar:

NM_006904.7(PRKDC):c.11927A>T (p.Glu3976Val)

Gene: PRKDC (protein kinase, DNA-activated, catalytic subunit; minus strand). Cytogenetic location: 8q11.21.
Variant type: single nucleotide variant.
Coding change: c.11927A>T on transcript NM_006904.7 (MANE Select); coding-DNA position 11927, A replaced by T.
Protein change: p.Glu3976Val; replaces glutamic acid 3976 with valine.
Molecular consequence: missense variant.
Genome position (GRCh38, 1-based): chr8:47,777,801, T>A on the plus strand (A>T on the coding strand, the complement: PRKDC is on the minus strand). VCF-style: chr8-47777801-T-A. GRCh37 (hg19) VCF-style: chr8-48690362-T-A.
Other names: c.11834A>T, p.Glu3945Val (NM_001081640.2); short protein forms E3976V, E3945V.
Identifiers: ClinVar variation 2564553 (VCV002564553.2), dbSNP rs779675459, ClinGen allele CA371128246.
Genomic context (GRCh38, chr8:47,777,801, plus strand): 5'-CCAGGGTCTGAGCGGAAGGCCCGGAGTGCGTGTACCATGATGCTGTACATAAGGCCCGTT[T>A]CTTTCATTGGTAACATCAGATTGATAAACTGGCGAGTTAGCCGAAAAGGCATCAACTCAG-3'
Protein context (NP_008835.5, residues 3966-3986): QFINLMLPMK[Glu3976Val]TGLMYSIMVH

ClinVar aggregate classification (germline): Uncertain significance (1 of 4 stars; one submission).

Submission:

Ambry Genetics
Classification: Uncertain significance. Last evaluated: 2023-05-14. Review status: criteria provided, single submitter. Criteria: Ambry Variant Classification Scheme 2023. Collection method: clinical testing. Allele origin: germline.
Comment: The p.E3976V variant (also known as c.11927A>T), located in coding exon 84 of the PRKDC gene, results from an A to T substitution at nucleotide position 11927. The glutamic acid at codon 3976 is replaced by valine, an amino acid with dissimilar properties. This amino acid position is conserved. In addition, this alteration is predicted to be tolerated by in silico analysis. Since supporting evidence is limited at this time, the clinical significance of this alteration remains unclear.